The following is an entry in ClinVar:

NM_001365276.2(TNXB):c.11167C>T (p.Leu3723=)

Genes: TNXB (tenascin XB; minus strand), LOC106780803 (tenascin XB recombination region; plus strand). Cytogenetic location: 6p21.33.
Variant type: single nucleotide variant.
Coding change: c.11167C>T on transcript NM_001365276.2 (MANE Select); coding-DNA position 11167, C replaced by T.
Protein change: p.Leu3723=; no amino-acid change (leucine 3723 retained).
Molecular consequence: synonymous variant.
Genome position (GRCh38, 1-based): chr6:32,044,477, G>A on the plus strand (C>T on the coding strand, the complement: TNXB is on the minus strand). VCF-style: chr6-32044477-G-A. GRCh37 (hg19) VCF-style: chr6-32012254-G-A.
Other names: p.Leu3721=; c.11908C>T, p.Leu3970= (NM_001428335.1); c.11161C>T, p.Leu3721= (NM_019105.8); c.454C>T, p.Leu152= (NM_032470.4).
Identifiers: ClinVar variation 4684944 (VCV004684944.1).

ClinVar aggregate classification (germline): Likely benign (1 of 4 stars; one submission).

Submission:

Mayo Clinic Laboratories, Mayo Clinic
Classification: Likely benign. Last evaluated: 2025-09-11. Review status: criteria provided, single submitter. Criteria: ACMG Guidelines, 2015. Collection method: clinical testing. Allele origin: germline. Observed: 2 variant alleles.
Comment: BS1, BP4, BP7